The following is an entry in ClinVar:

NM_000359.3(TGM1):c.1307A>C (p.His436Pro)

Gene: TGM1 (transglutaminase 1; minus strand). Cytogenetic location: 14q12.
Variant type: single nucleotide variant.
Coding change: c.1307A>C on transcript NM_000359.3 (MANE Select); coding-DNA position 1307, A replaced by C.
Protein change: p.His436Pro; replaces histidine 436 with proline.
Molecular consequence: missense variant.
Genome position (GRCh38, 1-based): chr14:24,258,380, T>G on the plus strand (A>C on the coding strand, the complement: TGM1 is on the minus strand). VCF-style: chr14-24258380-T-G. GRCh37 (hg19) VCF-style: chr14-24727586-T-G.
Other names: short protein forms H436P.
Identifiers: ClinVar variation 4770273 (VCV004770273.1).

ClinVar aggregate classification (germline): Likely pathogenic (1 of 4 stars; one submission).

gnomAD v4.1: 8 of 1,614,080 alleles (0.0005%); highest among the groups gnomAD compares: Non-Finnish European, 0.00068%; no homozygotes.

Submission:

Labcorp Genetics (formerly Invitae), Labcorp
Classification: Likely pathogenic. Last evaluated: 2025-07-10. Review status: criteria provided, single submitter. Criteria: Invitae Variant Classification Sherloc (09022015). Collection method: clinical testing. Allele origin: germline.
Comment: This sequence change replaces histidine, which is basic and polar, with proline, which is neutral and non-polar, at codon 436 of the TGM1 protein (p.His436Pro). This variant is present in population databases (no rsID available, gnomAD 0.0009%). This variant has not been reported in the literature in individuals affected with TGM1-related conditions. Invitae Evidence Modeling of protein sequence and biophysical properties (such as structural, functional, and spatial information, amino acid conservation, physicochemical variation, residue mobility, and thermodynamic stability) indicates that this missense variant is expected to disrupt TGM1 protein function with a positive predictive value of 95%. This variant disrupts the p.His436 amino acid residue in TGM1. Other variant(s) that disrupt this residue have been determined to be pathogenic (PMID: 30578701). This suggests that this residue is clinically significant, and that variants that disrupt this residue are likely to be disease-causing. In summary, the currently available evidence indicates that the variant is pathogenic, but additional data are needed to prove that conclusively. Therefore, this variant has been classified as Likely Pathogenic.

Literature cited by the submitters: PubMed 30578701.